The following is an entry in ClinVar:

NM_025137.4(SPG11):c.2842dup (p.Val948fs)

Gene: SPG11 (SPG11 vesicle trafficking associated, spatacsin; minus strand). Cytogenetic location: 15q21.1.
Variant type: Duplication.
Coding change: c.2842dup on transcript NM_025137.4 (MANE Select); coding-DNA position 2842, one base duplicated (G; older notation c.2842dupG).
Protein change: p.Val948fs; shifts the reading frame from valine 948.
Molecular consequence: frameshift variant.
Genome position (GRCh38, 1-based): chr15:44,615,559, C duplicated on the plus strand (G on the coding strand, the reverse complement: SPG11 is on the minus strand); the first of 4 consecutive C bases (chr15:44,615,559-44,615,562); duplicating any one gives the same sequence. VCF-style (leftmost placement, unchanged base first): chr15-44615558-A-AC. GRCh37 (hg19) VCF-style: chr15-44907756-A-AC.
Other names: c.2842dup, p.Val948fs (NM_001160227.2); short protein forms V948fs.
Identifiers: ClinVar variation 41300 (VCV000041300.3), dbSNP rs312262750, ClinGen allele CA344330.

ClinVar aggregate classification (germline): Pathogenic. Review status: criteria provided, single submitter (1 of 4 stars). 2 submissions from 2 submitters: Pathogenic (1). 1 of the submissions does not count toward it. Last evaluated 2024-01-19.

Conditions:
Hereditary spastic paraplegia 11. Also called: SPASTIC PARAPLEGIA, AUTOSOMAL RECESSIVE, COMPLICATED, WITH THIN CORPUS CALLOSUM; SPASTIC PARAPLEGIA, AUTOSOMAL RECESSIVE, WITH MENTAL IMPAIRMENT AND THIN CORPUS CALLOSUM; Spastic paraplegia, mental retardation and thin corpus callosum; Spastic Paraplegia 11; Nakamura Osame syndrome; Autosomal recessive hereditary spastic paraplegia, mental impairment, and thin corpus callosum. Identifiers: Orphanet 2822, MedGen C1858479, MONDO:0011445, OMIM 604360.

Submissions (2):

3billion
Classification: Pathogenic for Hereditary spastic paraplegia 11. Last evaluated: 2024-01-19. Review status: criteria provided, single submitter. Criteria: ACMG Guidelines, 2015. Collection method: clinical testing. Allele origin: germline. Affected: yes.
Comment: The variant is not observed in the gnomAD v2.1.1 dataset. Predicted Consequence/Location: Frameshift: predicted to result in a loss or disruption of normal protein function through nonsense-mediated decay (NMD) or protein truncation. Multiple pathogenic variants are reported downstream of the variant. The variant has been reported to be associated with SPG11 related disorder (PMID: 17322883). However, the evidence of pathogenicity is insufficient at this time. Therefore, this variant is classified as Pathogenic according to the recommendation of ACMG/AMP guideline.

GeneReviews
No classification provided. Condition: Hereditary spastic paraplegia 11. Review status: no classification provided. Collection method: literature only. Allele origin: unknown. Not counted in ClinVar's aggregate classification.

Literature cited by the submitters: PubMed 17322883 (cited by 3billion and GeneReviews); PubMed 20301389 (cited by GeneReviews); NCBI Bookshelf NBK1210 (cited by GeneReviews).